The following is an entry in ClinVar:

NM_000186.4(CFH):c.2665G>T (p.Glu889Ter)

Gene: CFH (complement factor H; plus strand). Cytogenetic location: 1q31.3.
Variant type: single nucleotide variant.
Coding change: c.2665G>T on transcript NM_000186.4 (MANE Select); coding-DNA position 2665, G replaced by T.
Protein change: p.Glu889Ter; replaces glutamic acid 889 with a stop codon.
Molecular consequence: nonsense.
Genome position (GRCh38, 1-based): chr1:196,737,543, G>T. VCF-style: chr1-196737543-G-T. GRCh37 (hg19) VCF-style: chr1-196706673-G-T.
Other names: short protein forms E889*.
Identifiers: ClinVar variation 4291499 (VCV004291499.1).

ClinVar aggregate classification (germline): Pathogenic, low penetrance (1 of 4 stars; one submission).

Conditions:
Atypical hemolytic-uremic syndrome. Identifiers: Orphanet 2134, MedGen C2931788, MONDO:0016244.

Submission:

Genomenon, Inc
Classification: Pathogenic, low penetrance for Atypical hemolytic-uremic syndrome. Last evaluated: 2025-10-02. Review status: criteria provided, single submitter. Criteria: Genomenon Sequence Variant Interpretation Standards - Updated. Collection method: curation. Allele origin: germline. Affected: yes.
Comment: CFH p.Glu889Ter (c.2665G>T) is a nonsense variant that introduces a premature stop codon at amino acid position 889, creating a truncated protein that is predicted to undergo nonsense-mediated mRNA decay. This variant has been observed in at least one proband affected with atypical hemolytic-uremic syndrome (PMID:24799305). It is absent or not present at a significant frequency in gnomAD. In conclusion, we classify CFH p.Glu889Ter (c.2665G>T) as a pathogenic, low penetrance variant.

Literature cited by the submitters: PubMed 24799305.